The following is an entry in ClinVar:

NM_004714.3(DYRK1B):c.1200C>T (p.Asp400=)

Gene: DYRK1B (dual specificity tyrosine phosphorylation regulated kinase 1B; minus strand). Cytogenetic location: 19q13.2.
Variant type: single nucleotide variant.
Coding change: c.1200C>T on transcript NM_004714.3 (MANE Select); coding-DNA position 1200, C replaced by T.
Protein change: p.Asp400=; no amino-acid change (aspartic acid 400 retained).
Molecular consequence: synonymous variant. On other transcripts: intron variant (2).
Genome position (GRCh38, 1-based): chr19:39,826,883, G>A on the plus strand (C>T on the coding strand, the complement: DYRK1B is on the minus strand). VCF-style: chr19-39826883-G-A. GRCh37 (hg19) VCF-style: chr19-40317523-G-A.
Other names: c.1096-16C>T (NM_006483.3); c.1132-16C>T (NM_006484.3).
Identifiers: ClinVar variation 4983140 (VCV004983140.1).
Genomic context (GRCh38, chr19:39,826,883, plus strand): 5'-GATGCGGGCGGCGGGCTCATACTCCAGCATGCGCAGCACCAGGTCCTGGAAGCGGAGGTA[G>A]TCGGCGGGGCTGTGGCCCGGCTCCCCCGCCCGCCGGCCCCCGGGCCCGCCCGTCTGCACG-3'
Protein context (NP_004705.1, residues 390-410): RAGEPGHSPA[Asp400=]YLRFQDLVLR

ClinVar aggregate classification (germline): Likely benign (1 of 4 stars; one submission).

Conditions:
DYRK1B-related disorder. Also called: DYRK1B-related condition.

Submission:

PreventionGenetics, part of Exact Sciences
Classification: Likely benign for DYRK1B-related condition. Last evaluated: 2026-07-15. Review status: criteria provided, single submitter. Criteria: ACMG Guidelines, 2015. Collection method: clinical testing. Allele origin: germline.
Comment: This variant is classified as likely benign based on ACMG/AMP sequence variant interpretation guidelines (Richards et al. 2015 PMID: 25741868, with internal and published modifications).